The following is an entry in ClinVar:

NM_000263.4(NAGLU):c.1006G>T (p.Glu336Ter)

Gene: NAGLU (N-acetyl-alpha-glucosaminidase; plus strand). Cytogenetic location: 17q21.2.
Variant type: single nucleotide variant.
Coding change: c.1006G>T on transcript NM_000263.4 (MANE Select); coding-DNA position 1006, G replaced by T.
Protein change: p.Glu336Ter; replaces glutamic acid 336 with a stop codon.
Molecular consequence: nonsense.
Genome position (GRCh38, 1-based): chr17:42,541,191, G>T. VCF-style: chr17-42541191-G-T. GRCh37 (hg19) VCF-style: chr17-40693209-G-T.
Other names: short protein forms E336*.
Identifiers: ClinVar variation 370575 (VCV000370575.7), dbSNP rs376090795, ClinGen allele CA8576915.
Genomic context (GRCh38, chr17:42,541,191, plus strand): 5'-GAGATGCAGCCACCTTCCTCAGAGCCCTCCTACCTTGCCGCAGCCACCACTGCCGTCTAT[G>T]AGGCCATGACTGCAGGTACAGTGCCTGGGTGGGGTGGGAGAGCCCCCCAGACCCTCAAAA-3'

ClinVar aggregate classification (germline): Pathogenic. Review status: criteria provided, multiple submitters, no conflicts (2 of 4 stars). 3 submissions from 3 submitters: Pathogenic (2). 1 of the submissions does not count toward it. Last evaluated 2025-10-30.

Conditions:
Mucopolysaccharidosis, MPS-III-B (MPS3B). Also called: MUCOPOLYSACCHARIDOSIS, TYPE IIIB; Mucopolysaccharidosis type IIIB (Sanfilippo B); MPS IIIB (Sanfilippo Syndrome Type B); SANFILIPPO SYNDROME B; N-ACETYL-ALPHA-D-GLUCOSAMINIDASE DEFICIENCY; NAGLU DEFICIENCY. Identifiers: Orphanet 79270, MedGen C0086648, MONDO:0009656, OMIM 252920.
Charcot-Marie-Tooth disease axonal type 2V. Also called: CHARCOT-MARIE-TOOTH NEUROPATHY, TYPE 2V; CHARCOT-MARIE-TOOTH DISEASE, AXONAL, AUTOSOMAL DOMINANT, TYPE 2V. Identifiers: Orphanet 447964, MedGen C5569050, MONDO:0014665, OMIM 616491.

Allele frequency attached by ClinVar (database versions not stated): ExAC 0.00001; gnomAD exomes below 0.00001; gnomAD 0.00001; TOPMed 0.00002; ESP Exome Variant Server 0.00008.

Submissions (3):

Variantyx, Inc.
Classification: Pathogenic for Mucopolysaccharidosis, MPS-III-B. Last evaluated: 2025-10-30. Review status: criteria provided, single submitter. Criteria: Variantyx Assertion Criteria 2022. Collection method: clinical testing. Allele origin: germline. Inheritance: Autosomal recessive inheritance. Affected: no.
Comment: This is a nonsense variant in the NAGLU gene (OMIM: 609701). Pathogenic variants in this gene have been associated with autosomal recessive mucopolysaccharidosis type IIIB (Sanfilippo B). This variant introduces a premature termination codon in exon 5 out of 6 and is expected to result in loss of function, which is a known disease mechanism for NAGLU in this disorder (PMID: 9832037, 10094189, 16151907, 11153910) (PVS1). This variant has been identified in the homozygous state in at least one individual reported in the published literature (PMID: 11153910) (PM3). The variant has a 0.0005% maximum allele frequency in non-founder control populations (PM2). Based on the current evidence, this variant is classified as pathogenic for autosomal recessive mucopolysaccharidosis type IIIB¬†(Sanfilippo B).

Labcorp Genetics (formerly Invitae), Labcorp
Classification: Pathogenic for Charcot-Marie-Tooth disease axonal type 2V; Mucopolysaccharidosis, MPS-III-B. Last evaluated: 2023-02-20. Review status: criteria provided, single submitter. Criteria: Invitae Variant Classification Sherloc (09022015). Collection method: clinical testing. Allele origin: germline.
Comment: ClinVar contains an entry for this variant (Variation ID: 370575). For these reasons, this variant has been classified as Pathogenic. This variant disrupts a region of the NAGLU protein in which other variant(s) (p.Arg626*) have been determined to be pathogenic (PMID: 8650226, 9832037, 10094189). This suggests that this is a clinically significant region of the protein, and that variants that disrupt it are likely to be disease-causing. Experimental studies have shown that this premature translational stop signal affects NAGLU function (PMID: 11153910, 29979746). Algorithms developed to predict the effect of variants on protein structure and function are not available or were not evaluated for this variant. This premature translational stop signal has been observed in individual(s) with mucopolysaccharidosis type III (PMID: 11153910). The frequency data for this variant in the population databases is considered unreliable, as metrics indicate poor data quality at this position in the gnomAD database. This sequence change creates a premature translational stop signal (p.Glu336*) in the NAGLU gene. While this is not anticipated to result in nonsense mediated decay, it is expected to disrupt the last 408 amino acid(s) of the NAGLU protein.

Counsyl
Classification: Likely pathogenic for Mucopolysaccharidosis, MPS-III-B. Last evaluated: 2016-11-02. Review status: no assertion criteria provided. Collection method: clinical testing. Allele origin: unknown. Not counted in ClinVar's aggregate classification.

Literature cited by the submitters: PubMed 9832037 (cited by Variantyx, Inc. and Labcorp Genetics (formerly Invitae), Labcorp); PubMed 10094189 (cited by Variantyx, Inc. and Labcorp Genetics (formerly Invitae), Labcorp); PubMed 16151907 (cited by Variantyx, Inc.); PubMed 11153910 (cited by 3 submitters); PubMed 8650226 (cited by Labcorp Genetics (formerly Invitae), Labcorp); PubMed 29979746 (cited by Labcorp Genetics (formerly Invitae), Labcorp); PubMed 25525159 (cited by Counsyl).